The following is an entry in ClinVar:

NM_001042492.3(NF1):c.6705-9T>G

Gene: NF1 (neurofibromin 1; plus strand). Cytogenetic location: 17q11.2.
Variant type: single nucleotide variant.
Coding change: c.6705-9T>G on transcript NM_001042492.3 (MANE Select); 9 bases into the intron before coding-DNA position 6705, T replaced by G.
Molecular consequence: intron variant.
Genome position (GRCh38, 1-based): chr17:31,338,016, T>G. VCF-style: chr17-31338016-T-G. GRCh37 (hg19) VCF-style: chr17-29665034-T-G.
Other names: c.6642-9T>G (NM_000267.4).
Identifiers: ClinVar variation 2692672 (VCV002692672.3), dbSNP rs2069723879, ClinGen allele CA2255602813.
Genomic context (GRCh38, chr17:31,338,016, plus strand): 5'-TTATAATTTATTATTTAGTATATATAAACACAAAGGTTTTTATAAGTTCTGTGGATCTTT[T>G]AATTGCAGATTTGCATTCCAATATAATCCATCCCTGCAACCAAGAGCTCTTGTTGTCTTT-3'

ClinVar aggregate classification (germline): Uncertain significance (1 of 4 stars; one submission).

Conditions:
Neurofibromatosis, type 1 (NF1). Also called: Peripheral type neurofibromatosis; NEUROFIBROMATOSIS, TYPE I, SOMATIC; Neurofibromatosis, type I; VON RECKLINGHAUSEN DISEASE. Identifiers: Orphanet 636, MedGen C0027831, MONDO:0018975, OMIM 162200. Disease mechanism: loss of function.

Allele frequency attached by ClinVar (database versions not stated): TOPMed below 0.00001.

Submission:

Labcorp Genetics (formerly Invitae), Labcorp
Classification: Uncertain significance for Neurofibromatosis, type 1. Last evaluated: 2023-11-02. Review status: criteria provided, single submitter. Criteria: Invitae Variant Classification Sherloc (09022015). Collection method: clinical testing. Allele origin: germline.
Comment: This sequence change falls in intron 43 of the NF1 gene. It does not directly change the encoded amino acid sequence of the NF1 protein. This variant is not present in population databases (gnomAD no frequency). This variant has not been reported in the literature in individuals affected with NF1-related conditions. Algorithms developed to predict the effect of sequence changes on RNA splicing suggest that this variant may disrupt the consensus splice site. In summary, the available evidence is currently insufficient to determine the role of this variant in disease. Therefore, it has been classified as a Variant of Uncertain Significance.